The following is an entry in ClinVar:

NM_000059.4(BRCA2):c.6211A>C (p.Ser2071Arg)

Gene: BRCA2 (BRCA2 DNA repair associated; plus strand). Cytogenetic location: 13q13.1.
Variant type: single nucleotide variant.
Coding change: c.6211A>C on transcript NM_000059.4 (MANE Select); coding-DNA position 6211, A replaced by C.
Protein change: p.Ser2071Arg; replaces serine 2071 with arginine.
Molecular consequence: missense variant.
Genome position (GRCh38, 1-based): chr13:32,340,566, A>C. VCF-style: chr13-32340566-A-C. GRCh37 (hg19) VCF-style: chr13-32914703-A-C.
Other names: short protein forms S2071R.
Identifiers: ClinVar variation 52033 (VCV000052033.7), dbSNP rs80358860, ClinGen allele CA023752.

ClinVar aggregate classification (germline): Conflicting classifications of pathogenicity. Review status: criteria provided, conflicting classifications (1 of 4 stars). 3 submissions from 3 submitters: Uncertain significance (1); Likely benign (1). 1 of the submissions does not count toward it. Last evaluated 2023-07-19.

Conditions:
Hereditary cancer-predisposing syndrome. Also called: Neoplastic Syndromes, Hereditary; Tumor predisposition; Hereditary neoplastic syndrome; Hereditary Cancer Syndrome. Identifiers: Orphanet 140162, MedGen C0027672, MeSH D009386, MONDO:0015356.
Breast-ovarian cancer, familial, susceptibility to, 2 (BROVCA2). Also called: BRCA2 Hereditary Breast and Ovarian Cancer. Identifiers: Orphanet 145, MedGen C2675520, MONDO:0012933, OMIM 612555. Disease mechanism: loss of function.

Submissions (3):

Ambry Genetics
Classification: Uncertain significance for Hereditary cancer-predisposing syndrome. Last evaluated: 2023-07-19. Review status: criteria provided, single submitter. Criteria: Ambry Variant Classification Scheme 2023. Collection method: clinical testing. Allele origin: germline.
Comment: The p.S2071R variant (also known as c.6211A>C), located in coding exon 10 of the BRCA2 gene, results from an A to C substitution at nucleotide position 6211. The serine at codon 2071 is replaced by arginine, an amino acid with dissimilar properties. This amino acid position is well conserved in available vertebrate species. In addition, the in silico prediction for this alteration is inconclusive. Since supporting evidence is limited at this time, the clinical significance of this alteration remains unclear.

University of Washington Department of Laboratory Medicine, University of Washington
Classification: Likely benign for Hereditary cancer-predisposing syndrome. Last evaluated: 2023-03-23. Review status: criteria provided, single submitter. Criteria: Dines et al. (Genet Med. 2020). Collection method: curation. Allele origin: germline.
Comment: Missense variant in a coldspot region where missense variants are very unlikely to be pathogenic (PMID:31911673).

BRCA2 exon 11 coldspot. Reclassification based on statistical prior probability.

Breast Cancer Information Core (BIC) (BRCA2)
Classification: Uncertain significance for Breast-ovarian cancer, familial 2. Last evaluated: 2002-06-20. Review status: no assertion criteria provided. Collection method: clinical testing. Allele origin: germline. Affected: yes. Observed: 1 variant allele. Not counted in ClinVar's aggregate classification.